The following is an entry in ClinVar:

ClinVar aggregate classification (germline): Uncertain significance (1 of 4 stars; one submission).

Conditions:
STAB2-related condition.

gnomAD v4.1: 1 of 1,613,344 alleles (0.000062%); highest among the groups gnomAD compares: Non-Finnish European, 0.000085%; no homozygotes.

Submission:

PreventionGenetics, part of Exact Sciences
Classification: Uncertain significance for STAB2-related condition. Last evaluated: 2025-11-21. Review status: criteria provided, single submitter. Criteria: ACMG Guidelines, 2015. Collection method: clinical testing. Allele origin: germline.
Comment: The STAB2 c.5284-3C>A variant is predicted to interfere with splicing. To our knowledge, this variant has not been reported in the literature or in a large population database (gnomAD), indicating this variant is rare. At this time, the clinical significance of this variant is uncertain due to the absence of conclusive functional and genetic evidence.

NM_017564.10(STAB2):c.5284-3C>A

Gene: STAB2 (stabilin 2; plus strand). Cytogenetic location: 12q23.3.
Variant type: single nucleotide variant.
Coding change: c.5284-3C>A on transcript NM_017564.10 (MANE Select); 3 bases into the intron before coding-DNA position 5284, C replaced by A.
Molecular consequence: intron variant.
Genome position (GRCh38, 1-based): chr12:103,733,003, C>A. VCF-style: chr12-103733003-C-A. GRCh37 (hg19) VCF-style: chr12-104126781-C-A.
Identifiers: ClinVar variation 4991129 (VCV004991129.1).